The following continues an entry in ClinVar:

NM_020975.6(RET):c.2531G>A (p.Arg844Gln)

Gene: RET. ClinVar aggregate classification (germline): Conflicting classifications of pathogenicity. Uncertain significance (12); Benign (1); Likely benign (2).

Submissions 10 to 16 of 16:

GeneDx
Classification: Uncertain significance. Last evaluated: 2023-07-21. Review status: criteria provided, single submitter. Criteria: GeneDx Variant Classification Process June 2021. Collection method: clinical testing. Allele origin: germline. Affected: yes.
Comment: In silico analysis supports that this missense variant does not alter protein structure/function; Published functional studies demonstrate no damaging effect: RET kinase activity similar to wildtype (Huang et al., 2018); Observed in individuals with medullary thyroid cancer or breast cancer (Paszko et al., 2007; Guindalini et al., 2022) and co-observed with a pathogenic FH variant in an individual with pheochromocytoma (Ben Aim et al., 2019); This variant is associated with the following publications: (PMID: 20497437, 18058472, 26678667, 27014708, 21479187, 29590403, 25824727, 24699901, 9506724, 19469690, 29386230, 25425582, 34426522, 14633923, 29625052, 30877234, 35264596)

Ambry Genetics
Classification: Benign for Hereditary cancer-predisposing syndrome. Last evaluated: 2023-06-21. Review status: criteria provided, single submitter. Criteria: Ambry Variant Classification Scheme 2023. Collection method: clinical testing. Allele origin: germline.

St. Jude Molecular Pathology, St. Jude Children's Research Hospital
Classification: Uncertain significance for Multiple endocrine neoplasia type 2A. Last evaluated: 2023-04-03. Review status: criteria provided, single submitter. Criteria: St. Jude Assertion Criteria 2020. Collection method: clinical testing. Allele origin: germline.
Comment: The RET c.2531G>A (p.Arg844Gln) missense change is absent in gnomAD v2.1.1. The in silico tool REVEL predicts a deleterious effect on protein function, however functional studies have demonstrated no damaging effect on RET function (PMID: 29625052). This variant has been reported in individuals with medullary thyroid cancer (PMID: 18058472) and pheochromocytoma (PMID: 35189708). In summary, the evidence currently available is insufficient to determine the clinical significance of this variant. It has therefore been classified as of uncertain significance.

Mayo Clinic Laboratories, Mayo Clinic
Classification: Uncertain significance. Last evaluated: 2021-04-06. Review status: criteria provided, single submitter. Criteria: ACMG Guidelines, 2015. Collection method: clinical testing. Allele origin: germline.

Baylor Genetics
Classification: Uncertain significance for Familial medullary thyroid carcinoma. Last evaluated: 2020-12-22. Review status: criteria provided, single submitter. Criteria: ACMG Guidelines, 2015. Collection method: clinical testing. Allele origin: unknown. Affected: yes. Study: CSER-TexasKidsCanSeq.
Comment: This variant was determined to be of uncertain significance according to ACMG Guidelines, 2015 [PMID:25741868].

Mendelics
Classification: Uncertain significance for Multiple endocrine neoplasia, type 2a. Last evaluated: 2018-07-02. Review status: criteria provided, single submitter. Criteria: Mendelics Assertion Criteria 2017. Collection method: clinical testing. Allele origin: unknown.

Counsyl
Classification: Uncertain significance for Multiple endocrine neoplasia type 2A. Last evaluated: 2017-01-25. Review status: no assertion criteria provided. Collection method: clinical testing. Allele origin: unknown. Not counted in ClinVar's aggregate classification.

Literature cited by the submitters: PubMed 29625052 (cited by 4 submitters); PubMed 30877234 (cited by 4 submitters); PubMed 18058472 (cited by 6 submitters); PubMed 29386230 (cited by 3 submitters); PubMed 35189708 (cited by 4 submitters); PubMed 24699901 (cited by 3 submitters); PubMed 25425582 (cited by 3 submitters); PubMed 25824727 (cited by Quest Diagnostics Nichols Institute San Juan Capistrano); PubMed 21479187 (cited by Quest Diagnostics Nichols Institute San Juan Capistrano and Ambry Genetics); PubMed 29590403 (cited by Quest Diagnostics Nichols Institute San Juan Capistrano); PubMed 28717660 (cited by Quest Diagnostics Nichols Institute San Juan Capistrano); PubMed 26678667 (cited by Quest Diagnostics Nichols Institute San Juan Capistrano); PubMed 35264596 (cited by Quest Diagnostics Nichols Institute San Juan Capistrano); PubMed 34426522 (cited by Quest Diagnostics Nichols Institute San Juan Capistrano); PubMed 35534704 (cited by Quest Diagnostics Nichols Institute San Juan Capistrano); PubMed 9506724 (cited by Color Diagnostics, LLC DBA Color Health and Ambry Genetics); PubMed 20497437 (cited by Ambry Genetics).